The following is an entry in ClinVar:

NM_004656.4(BAP1):c.192C>T (p.Thr64=)

Gene: BAP1 (BRCA1 associated deubiquitinase 1; minus strand). Cytogenetic location: 3p21.1.
Variant type: single nucleotide variant.
Coding change: c.192C>T on transcript NM_004656.4 (MANE Select); coding-DNA position 192, C replaced by T.
Protein change: p.Thr64=; no amino-acid change (threonine 64 retained).
Molecular consequence: synonymous variant.
Genome position (GRCh38, 1-based): chr3:52,408,537, G>A on the plus strand (C>T on the coding strand, the complement: BAP1 is on the minus strand). VCF-style: chr3-52408537-G-A. GRCh37 (hg19) VCF-style: chr3-52442553-G-A.
Identifiers: ClinVar variation 820365 (VCV000820365.14), dbSNP rs1041117929, ClinGen allele CA74744348.

ClinVar aggregate classification (germline): Benign/Likely benign. Review status: criteria provided, multiple submitters, no conflicts (2 of 4 stars). 4 submissions from 4 submitters: Benign (1); Likely benign (3). Last evaluated 2026-02-03.

Conditions:
Hereditary cancer-predisposing syndrome. Also called: Neoplastic Syndromes, Hereditary; Tumor predisposition; Hereditary Cancer Syndrome; Hereditary neoplastic syndrome. Identifiers: Orphanet 140162, MedGen C0027672, MeSH D009386, MONDO:0015356.
BAP1-related tumor predisposition syndrome (TPDS1). Also called: Tumor susceptibility linked to germline BAP1 mutations; BAP1 tumor predisposition syndrome; COMMON Syndrome; TUMOR PREDISPOSITION SYNDROME 1. Identifiers: Orphanet 289539, MedGen C3280492, MONDO:0013692, OMIM 614327.

Allele frequency attached by ClinVar (database versions not stated): gnomAD exomes 0.00001; TOPMed 0.00001.
gnomAD v4.1: 3 of 1,612,320 alleles (0.00019%); highest among the groups gnomAD compares: Non-Finnish European, 0.00025%; no homozygotes.

Submissions (4):

Labcorp Genetics (formerly Invitae), Labcorp
Classification: Likely benign for BAP1-related tumor predisposition syndrome. Last evaluated: 2026-02-03. Review status: criteria provided, single submitter. Criteria: Invitae Variant Classification Sherloc (09022015). Collection method: clinical testing. Allele origin: germline.

Myriad Genetics, Inc.
Classification: Benign for BAP1-related tumor predisposition syndrome. Last evaluated: 2024-07-11. Review status: criteria provided, single submitter. Criteria: Myriad Autosomal Dominant, Autosomal Recessive and X-Linked Classification Criteria (2023). Collection method: clinical testing. Allele origin: unknown.
Comment: This variant is considered benign. This variant is a silent/synonymous amino acid change and it is not expected to impact splicing.

Color Diagnostics, LLC DBA Color Health
Classification: Likely benign for Hereditary cancer-predisposing syndrome. Last evaluated: 2019-04-18. Review status: criteria provided, single submitter. Criteria: ACMG Guidelines, 2015. Collection method: clinical testing. Allele origin: germline.

Ambry Genetics
Classification: Likely benign for Hereditary cancer-predisposing syndrome. Last evaluated: 2018-11-30. Review status: criteria provided, single submitter. Criteria: Ambry Variant Classification Scheme 2023. Collection method: clinical testing. Allele origin: germline.